The following is an entry in ClinVar:

NM_005419.4(STAT2):c.2053C>A (p.Gln685Lys)

Gene: STAT2 (signal transducer and activator of transcription 2; minus strand). Cytogenetic location: 12q13.3.
Variant type: single nucleotide variant.
Coding change: c.2053C>A on transcript NM_005419.4 (MANE Select); coding-DNA position 2053, C replaced by A.
Protein change: p.Gln685Lys; replaces glutamine 685 with lysine.
Molecular consequence: missense variant.
Genome position (GRCh38, 1-based): chr12:56,346,195, G>T on the plus strand (C>A on the coding strand, the complement: STAT2 is on the minus strand). VCF-style: chr12-56346195-G-T. GRCh37 (hg19) VCF-style: chr12-56739979-G-T.
Other names: c.2020C>A, p.Gln674Lys (NM_001385110.1); c.1954C>A, p.Gln652Lys (NM_001385111.1); c.2053C>A, p.Gln685Lys (NM_001385113.1); c.2032C>A, p.Gln678Lys (NM_001385114.1); c.2011C>A, p.Gln671Lys (NM_001385115.1); c.2041C>A, p.Gln681Lys (NM_198332.2); short protein forms Q678K, Q652K, Q674K, Q681K, Q685K, Q671K.
Identifiers: ClinVar variation 1902606 (VCV001902606.5), dbSNP rs770394204, ClinGen allele CA385259461.

ClinVar aggregate classification (germline): Uncertain significance (1 of 4 stars; one submission).

Conditions:
Primary immunodeficiency with post-measles-mumps-rubella vaccine viral infection. Also called: Immunodeficiency 44. Identifiers: Orphanet 431166, MedGen C4225260, MONDO:0014715, OMIM 616636.

Allele frequency attached by ClinVar (database versions not stated): TOPMed below 0.00001.
gnomAD v4.1: 2 of 1,614,164 alleles (0.00012%); highest among the groups gnomAD compares: African/African-American, 0.0013%; no homozygotes.

Submission:

Labcorp Genetics (formerly Invitae), Labcorp
Classification: Uncertain significance for Primary immunodeficiency with post-measles-mumps-rubella vaccine viral infection. Last evaluated: 2022-08-23. Review status: criteria provided, single submitter. Criteria: Invitae Variant Classification Sherloc (09022015). Collection method: clinical testing. Allele origin: germline.
Comment: In summary, the available evidence is currently insufficient to determine the role of this variant in disease. Therefore, it has been classified as a Variant of Uncertain Significance. Advanced modeling of protein sequence and biophysical properties (such as structural, functional, and spatial information, amino acid conservation, physicochemical variation, residue mobility, and thermodynamic stability) performed at Invitae indicates that this missense variant is not expected to disrupt STAT2 protein function. This variant has not been reported in the literature in individuals affected with STAT2-related conditions. This variant is not present in population databases (gnomAD no frequency). This sequence change replaces glutamine, which is neutral and polar, with lysine, which is basic and polar, at codon 685 of the STAT2 protein (p.Gln685Lys).